The following is an entry in ClinVar:

NM_001267550.2(TTN):c.25922-6T>G

Gene: TTN (titin; minus strand). Cytogenetic location: 2q31.2.
Variant type: single nucleotide variant.
Coding change: c.25922-6T>G on transcript NM_001267550.2 (MANE Select); 6 bases into the intron before coding-DNA position 25922, T replaced by G.
Molecular consequence: intron variant.
Genome position (GRCh38, 1-based): chr2:178,715,270, A>C on the plus strand (T>G on the coding strand, the complement: TTN is on the minus strand). VCF-style: chr2-178715270-A-C. GRCh37 (hg19) VCF-style: chr2-179579997-A-C.
Other names: c.13282+22812T>G (NM_003319.4); c.13858+22812T>G (NM_133437.4); c.13657+22812T>G (NM_133432.3); c.22190-6T>G (NM_133378.4); c.24971-6T>G (NM_001256850.1).
Identifiers: ClinVar variation 1174927 (VCV001174927.9), dbSNP rs796983452, ClinGen allele CA60968822.

ClinVar aggregate classification (germline): Uncertain significance. Review status: criteria provided, single submitter (1 of 4 stars). 4 submissions from 4 submitters: Uncertain significance (1). 3 of the submissions do not count toward it. Last evaluated 2026-06-01.

Allele frequency attached by ClinVar (database versions not stated): gnomAD exomes 0.00001.
gnomAD v4.1: 15 of 1,592,310 alleles (0.00094%); highest among the groups gnomAD compares: Non-Finnish European, 0.0012%; no homozygotes.

Submissions (4):

CeGaT Center for Human Genetics Tuebingen
Classification: Uncertain significance. Last evaluated: 2026-06-01. Review status: criteria provided, single submitter. Criteria: CeGaT Center For Human Genetics Tuebingen Variant Classification Criteria Version 2. Collection method: clinical testing. Allele origin: germline. Affected: yes. Observed: 1 variant allele.
Comment: TTN: PM2, PP3

Clinical Genetics, Academic Medical Center
Classification: Uncertain significance. Review status: no assertion criteria provided. Collection method: clinical testing. Allele origin: germline. Affected: yes. Study: VKGL Data-share Consensus. Not counted in ClinVar's aggregate classification.

Diagnostic Laboratory, Department of Genetics, University Medical Center Groningen
Classification: Uncertain significance. Review status: no assertion criteria provided. Collection method: clinical testing. Allele origin: germline. Affected: yes. Study: VKGL Data-share Consensus. Not counted in ClinVar's aggregate classification.

Joint Genome Diagnostic Labs from Nijmegen and Maastricht, Radboudumc and MUMC+
Classification: Uncertain significance. Review status: no assertion criteria provided. Collection method: clinical testing. Allele origin: germline. Affected: yes. Study: VKGL Data-share Consensus. Not counted in ClinVar's aggregate classification.